The following is an entry in ClinVar:

ClinVar aggregate classification (germline): Uncertain significance (1 of 4 stars; one submission).

Conditions:
Tuberous sclerosis 2 (TSC2). Identifiers: Orphanet 805, MedGen C1860707, MONDO:0013199, OMIM 613254.

Submission:

Labcorp Genetics (formerly Invitae), Labcorp
Classification: Uncertain significance for Tuberous sclerosis 2. Last evaluated: 2023-05-04. Review status: criteria provided, single submitter. Criteria: Invitae Variant Classification Sherloc (09022015). Collection method: clinical testing. Allele origin: germline.
Comment: In summary, the available evidence is currently insufficient to determine the role of this variant in disease. Therefore, it has been classified as a Variant of Uncertain Significance. An algorithm developed to predict the effect of missense changes on protein structure and function (PolyPhen-2) suggests that this variant is likely to be tolerated. ClinVar contains an entry for this variant (Variation ID: 2005995). This variant has not been reported in the literature in individuals affected with TSC2-related conditions. This variant is not present in population databases (gnomAD no frequency). This sequence change replaces glutamine, which is neutral and polar, with leucine, which is neutral and non-polar, at codon 200 of the TSC2 protein (p.Gln200Leu).

NM_000548.5(TSC2):c.599A>T (p.Gln200Leu)

Gene: TSC2 (TSC complex subunit 2; plus strand). Cytogenetic location: 16p13.3.
Variant type: single nucleotide variant.
Coding change: c.599A>T on transcript NM_000548.5 (MANE Select); coding-DNA position 599, A replaced by T.
Protein change: p.Gln200Leu; replaces glutamine 200 with leucine.
Molecular consequence: missense variant. On other transcripts: intron variant (1).
Genome position (GRCh38, 1-based): chr16:2,055,519, A>T. VCF-style: chr16-2055519-A-T. GRCh37 (hg19) VCF-style: chr16-2105520-A-T.
Other names: c.599A>T, p.Gln200Leu (NM_001077183.3, NM_001114382.3, NM_001363528.2 and 8 more transcripts); c.488A>T, p.Gln163Leu (NM_001318827.2, NM_001406670.1, NM_001406678.1); c.452A>T, p.Gln151Leu (NM_001318829.2, NM_001406675.1, NM_001406676.1 and 1 more transcripts); c.632A>T, p.Gln211Leu (NM_001318832.2); c.689A>T, p.Gln230Leu (NM_001406667.1, NM_001406668.1); c.542A>T, p.Gln181Leu (NM_001406677.1); c.-218A>T (NM_001406680.1, NM_001406683.1, NM_001406687.1); c.137A>T, p.Gln46Leu (NM_001406681.1); and 6 more; short protein forms Q200L, Q163L, Q151L, Q211L, Q230L, Q46L, Q181L.
Identifiers: ClinVar variation 2005995 (VCV002005995.4), dbSNP rs2085677930, ClinGen allele CA394309935.